The following is an entry in ClinVar:

NM_003280.3(TNNC1):c.251G>A (p.Cys84Tyr)

Gene: TNNC1 (troponin C1, slow skeletal and cardiac type; minus strand). Cytogenetic location: 3p21.1.
Variant type: single nucleotide variant.
Coding change: c.251G>A on transcript NM_003280.3 (MANE Select); coding-DNA position 251, G replaced by A.
Protein change: p.Cys84Tyr; replaces cysteine 84 with tyrosine.
Molecular consequence: missense variant.
Genome position (GRCh38, 1-based): chr3:52,451,810, C>T on the plus strand (G>A on the coding strand, the complement: TNNC1 is on the minus strand). VCF-style: chr3-52451810-C-T. GRCh37 (hg19) VCF-style: chr3-52485826-C-T.
Other names: c.251G>A, p.Cys84Tyr (LRG_378t1); short protein forms C84Y.
Identifiers: ClinVar variation 12444 (VCV000012444.9), dbSNP rs267607126, ClinGen allele CA122399.
Genomic context (GRCh38, chr3:52,451,810, plus strand): 5'-AACATGCGGAAGAGGTCAGACAGCTCCTCCTCAGATTTCCCTTTGCTGTCGTCCTTCATG[C>T]ACCGAACCATCATGACCAGGAACTCATCAAAGTCCACCGTGCCGCTGCCTGGGGGTGGGC-3'
Protein context (NP_003271.1, residues 74-94): FDEFLVMMVR[Cys84Tyr]MKDDSKGKSE

ClinVar aggregate classification (germline): Conflicting classifications of pathogenicity. Review status: criteria provided, conflicting classifications (1 of 4 stars). 3 submissions from 3 submitters: Pathogenic (1); Uncertain significance (1). 1 of the submissions does not count toward it. Last evaluated 2023-02-04.

Conditions:
TNNC1-related disorder. Also called: TNNC1-related condition.
Hypertrophic cardiomyopathy 13. Also called: TNNC1-Related Familial Hypertrophic Cardiomyopathy. Identifiers: MedGen C2750472, MONDO:0013195, OMIM 613243.
Dilated cardiomyopathy 1Z (CMD1Z). Identifiers: Orphanet 154, MedGen C2678475, MONDO:0012745, OMIM 611879.

Submissions (3):

Labcorp Genetics (formerly Invitae), Labcorp
Classification: Uncertain significance for Hypertrophic cardiomyopathy 13; Dilated cardiomyopathy 1Z. Last evaluated: 2023-02-04. Review status: criteria provided, single submitter. Criteria: Invitae Variant Classification Sherloc (09022015). Collection method: clinical testing. Allele origin: germline.
Comment: In summary, the available evidence is currently insufficient to determine the role of this variant in disease. Therefore, it has been classified as a Variant of Uncertain Significance. Experimental studies have shown that this missense change affects TNNC1 function (PMID: 18572189, 28533433). Algorithms developed to predict the effect of missense changes on protein structure and function are either unavailable or do not agree on the potential impact of this missense change (SIFT: "Tolerated"; PolyPhen-2: "Possibly Damaging"; Align-GVGD: "Class C0"). ClinVar contains an entry for this variant (Variation ID: 12444). This missense change has been observed in individual(s) with hypertrophic cardiomyopathy (PMID: 18572189). This variant is not present in population databases (gnomAD no frequency). This sequence change replaces cysteine, which is neutral and slightly polar, with tyrosine, which is neutral and polar, at codon 84 of the TNNC1 protein (p.Cys84Tyr).

Blueprint Genetics
Classification: Pathogenic for TNNC1-related disorders. Last evaluated: 2023-01-17. Review status: criteria provided, single submitter. Criteria: ACMG Guidelines, 2015. Collection method: clinical testing. Allele origin: germline. Affected: yes. Observed: 1 variant allele.

OMIM
Classification: Pathogenic for CARDIOMYOPATHY, FAMILIAL HYPERTROPHIC, 13. Last evaluated: 2008-08-01. Review status: no assertion criteria provided. Collection method: literature only. Allele origin: germline. Not counted in ClinVar's aggregate classification.

Literature cited by the submitters: PubMed 18572189 (cited by Labcorp Genetics (formerly Invitae), Labcorp and OMIM); PubMed 28533433 (cited by Labcorp Genetics (formerly Invitae), Labcorp).